The following is an entry in ClinVar:

NM_001042681.2(RERE):c.1348C>T (p.His450Tyr)

Gene: RERE (arginine-glutamic acid dipeptide repeats; minus strand). Cytogenetic location: 1p36.23.
Variant type: single nucleotide variant.
Coding change: c.1348C>T on transcript NM_001042681.2 (MANE Select); coding-DNA position 1348, C replaced by T.
Protein change: p.His450Tyr; replaces histidine 450 with tyrosine.
Molecular consequence: missense variant. On other transcripts: 5 prime UTR variant (1).
Genome position (GRCh38, 1-based): chr1:8,365,911, G>A on the plus strand (C>T on the coding strand, the complement: RERE is on the minus strand). VCF-style: chr1-8365911-G-A. GRCh37 (hg19) VCF-style: chr1-8425971-G-A.
Other names: c.-315C>T (NM_001042682.2); c.1348C>T, p.His450Tyr (NM_012102.4); short protein forms H450Y.
Identifiers: ClinVar variation 3054674 (VCV003054674.4), dbSNP rs527863652, ClinGen allele CA571742.
Genomic context (GRCh38, chr1:8,365,911, plus strand): 5'-GTGTGGACGCGGTGCGAGTCTTAATCCTCCTGAACACGGCCTGCCTGCGGTGCCTACGAT[G>A]GGCTCGGGAGCTGGCTGCTTCGGGGGTCTTCTTCCAATAGTAATAGAAGGTGATCAGCTC-3'
Protein context (NP_001036146.1, residues 440-460): KTPEAASSRA[His450Tyr]RRHRRQAVFR

ClinVar aggregate classification (germline): Likely benign. Review status: criteria provided, single submitter (1 of 4 stars). 2 submissions from 2 submitters: Likely benign (1). 1 of the submissions does not count toward it. Last evaluated 2024-12-18.

Conditions:
RERE-related disorder. Also called: RERE-Related Disorders; RERE-related condition. Identifiers: MedGen CN381537.

Allele frequency attached by ClinVar (database versions not stated): TOPMed 0.00001; gnomAD 0.00002; gnomAD exomes 0.00007; 1000 Genomes Project 30x 0.00016; ExAC 0.00017; 1000 Genomes Project 0.00020.
gnomAD v4.1: 111 of 1,614,158 alleles (0.0069%); highest among the groups gnomAD compares: South Asian, 0.1%; 4 homozygotes.

Submissions (2):

Labcorp Genetics (formerly Invitae), Labcorp
Classification: Likely benign. Last evaluated: 2024-12-18. Review status: criteria provided, single submitter. Criteria: Invitae Variant Classification Sherloc (09022015). Collection method: clinical testing. Allele origin: germline.

PreventionGenetics, part of Exact Sciences
Classification: Likely benign for RERE-related condition. Last evaluated: 2023-05-19. Review status: no assertion criteria provided. Collection method: clinical testing. Allele origin: germline. Not counted in ClinVar's aggregate classification.
Comment: This variant is classified as likely benign based on ACMG/AMP sequence variant interpretation guidelines (Richards et al. 2015 PMID: 25741868, with internal and published modifications).